The following is an entry in ClinVar:

NM_000548.5(TSC2):c.1378G>T (p.Ala460Ser)

Gene: TSC2 (TSC complex subunit 2; plus strand). Cytogenetic location: 16p13.3.
Variant type: single nucleotide variant.
Coding change: c.1378G>T on transcript NM_000548.5 (MANE Select); coding-DNA position 1378, G replaced by T.
Protein change: p.Ala460Ser; replaces alanine 460 with serine.
Molecular consequence: missense variant. On other transcripts: non-coding transcript variant (5), intron variant (1).
Genome position (GRCh38, 1-based): chr16:2,062,988, G>T. VCF-style: chr16-2062988-G-T. GRCh37 (hg19) VCF-style: chr16-2112989-G-T.
Other names: c.1366G>T, p.Ala456Ser (NM_001406673.1, NM_001406671.1); c.1231G>T, p.Ala411Ser (NM_001406675.1, NM_001406676.1, NM_001406679.1 and 1 more transcripts); c.1321G>T, p.Ala441Ser (NM_001406677.1); c.1267G>T, p.Ala423Ser (NM_001406678.1, NM_001318827.2, NM_001406670.1); c.778G>T, p.Ala260Ser (NM_001406680.1, NM_001406682.1, NM_001406683.1 and 6 more transcripts); c.916G>T, p.Ala306Ser (NM_001406681.1); c.34G>T, p.Ala12Ser (NM_001406693.1, NM_001406694.1, NM_001406695.1 and 6 more transcripts); c.1378G>T, p.Ala460Ser (NM_021055.3, NM_001077183.3, NM_001114382.3 and 6 more transcripts); and 3 more; short protein forms A12S, A260S, A306S, A411S, A423S, A441S, A456S, A460S.
Identifiers: ClinVar variation 4527892 (VCV004527892.1).

ClinVar aggregate classification (germline): Uncertain significance (1 of 4 stars; one submission).

Submission:

GeneDx
Classification: Uncertain significance. Last evaluated: 2025-04-29. Review status: criteria provided, single submitter. Criteria: GeneDx Variant Classification Process June 2021. Collection method: clinical testing. Allele origin: germline. Affected: yes.
Comment: Not observed at significant frequency in large population cohorts (gnomAD); In silico analysis indicates that this missense variant does not alter protein structure/function; Has not been previously published as pathogenic or benign to our knowledge